The following is an entry in ClinVar:

NM_014611.3(MDN1):c.4320A>G (p.Glu1440=)

Gene: MDN1 (midasin AAA ATPase 1; minus strand). Cytogenetic location: 6q15.
Variant type: single nucleotide variant.
Coding change: c.4320A>G on transcript NM_014611.3 (MANE Select); coding-DNA position 4320, A replaced by G.
Protein change: p.Glu1440=; no amino-acid change (glutamic acid 1440 retained).
Molecular consequence: synonymous variant.
Genome position (GRCh38, 1-based): chr6:89,743,278, T>C on the plus strand (A>G on the coding strand, the complement: MDN1 is on the minus strand). VCF-style: chr6-89743278-T-C. GRCh37 (hg19) VCF-style: chr6-90452997-T-C.
Identifiers: ClinVar variation 3039440 (VCV003039440.2), dbSNP rs115642571, ClinGen allele CA3925106.

ClinVar aggregate classification (germline): Benign (0 of 4 stars; one submission).

Conditions:
MDN1-related disorder. Also called: MDN1-related condition.

Allele frequency attached by ClinVar (database versions not stated): gnomAD exomes 0.00025; ExAC 0.00070; 1000 Genomes Project 0.00200; gnomAD 0.00214; 1000 Genomes Project 30x 0.00219; TOPMed 0.00243; ESP Exome Variant Server 0.00308.
gnomAD v4.1: 695 of 1,614,020 alleles (0.043%); highest among the groups gnomAD compares: African/African-American, 0.82%; 3 homozygotes.

Submission:

PreventionGenetics, part of Exact Sciences
Classification: Benign for MDN1-related condition. Last evaluated: 2019-05-21. Review status: no assertion criteria provided. Collection method: clinical testing. Allele origin: germline.
Comment: This variant is classified as benign based on ACMG/AMP sequence variant interpretation guidelines (Richards et al. 2015 PMID: 25741868, with internal and published modifications).